The following is an entry in ClinVar:

ClinVar aggregate classification (germline): Uncertain significance (1 of 4 stars; one submission).

Conditions:
Left ventricular noncompaction 8 (LVNC8). Identifiers: Orphanet 154, Orphanet 54260, MedGen C3809288, MONDO:0014152, OMIM 615373.

Allele frequency attached by ClinVar (database versions not stated): gnomAD exomes below 0.00001.
gnomAD v4.1: 1 of 1,613,732 alleles (0.000062%); highest among the groups gnomAD compares: African/African-American, 0.0013%; no homozygotes.

Submission:

Labcorp Genetics (formerly Invitae), Labcorp
Classification: Uncertain significance for Left ventricular noncompaction 8. Last evaluated: 2025-08-11. Review status: criteria provided, single submitter. Criteria: Invitae Variant Classification Sherloc (09022015). Collection method: clinical testing. Allele origin: germline.
Comment: This sequence change replaces isoleucine, which is neutral and non-polar, with methionine, which is neutral and non-polar, at codon 172 of the PRDM16 protein (p.Ile172Met). This variant is not present in population databases (gnomAD no frequency). This variant has not been reported in the literature in individuals affected with PRDM16-related conditions. ClinVar contains an entry for this variant (Variation ID: 2780546). An algorithm developed to predict the effect of missense changes on protein structure and function (PolyPhen-2) suggests that this variant is likely to be disruptive. In summary, the available evidence is currently insufficient to determine the role of this variant in disease. Therefore, it has been classified as a Variant of Uncertain Significance.

NM_022114.4(PRDM16):c.516C>G (p.Ile172Met)

Gene: PRDM16 (PR/SET domain 16; plus strand). Cytogenetic location: 1p36.32.
Variant type: single nucleotide variant.
Coding change: c.516C>G on transcript NM_022114.4 (MANE Select); coding-DNA position 516, C replaced by G.
Protein change: p.Ile172Met; replaces isoleucine 172 with methionine.
Molecular consequence: missense variant.
Genome position (GRCh38, 1-based): chr1:3,385,229, C>G. VCF-style: chr1-3385229-C-G. GRCh37 (hg19) VCF-style: chr1-3301793-C-G.
Other names: c.516C>G, p.Ile172Met (NM_199454.3); short protein forms I172M.
Identifiers: ClinVar variation 2780546 (VCV002780546.3), dbSNP rs865858938, ClinGen allele CA338000640.